The following is an entry in ClinVar:

ClinVar aggregate classification (germline): Uncertain significance (1 of 4 stars; one submission).

Conditions:
Inborn genetic diseases. Identifiers: MedGen C0950123, MeSH D030342.

gnomAD v4.1: 1 of 1,612,668 alleles (0.000062%); highest among the groups gnomAD compares: South Asian, 0.0011%; no homozygotes.

Submission:

Ambry Genetics
Classification: Uncertain significance for Inborn genetic diseases. Last evaluated: 2026-05-14. Review status: criteria provided, single submitter. Criteria: Ambry Variant Classification Scheme 2023. Collection method: clinical testing. Allele origin: germline.
Comment: The p.A918G variant (also known as c.2753C>G), located in coding exon 28 of the RTEL1 gene, results from a C to G substitution at nucleotide position 2753. The alanine at codon 918 is replaced by glycine, an amino acid with similar properties. This amino acid position is conserved. In addition, this alteration is predicted to be tolerated by in silico analysis. Based on the available evidence, the clinical significance of this variant remains unclear.

NM_001283009.2(RTEL1):c.2753C>G (p.Ala918Gly)

Genes: RTEL1 (regulator of telomere elongation helicase 1; plus strand), RTEL1-TNFRSF6B (RTEL1-TNFRSF6B readthrough (NMD candidate); plus strand). Cytogenetic location: 20q13.33.
Variant type: single nucleotide variant.
Coding change: c.2753C>G on transcript NM_001283009.2 (MANE Select); coding-DNA position 2753, C replaced by G.
Protein change: p.Ala918Gly; replaces alanine 918 with glycine.
Molecular consequence: missense variant. On other transcripts: non-coding transcript variant (1).
Genome position (GRCh38, 1-based): chr20:63,692,905, C>G. VCF-style: chr20-63692905-C-G. GRCh37 (hg19) VCF-style: chr20-62324258-C-G.
Other names: c.2084C>G, p.Ala695Gly (NM_001283010.1); c.2753C>G, p.Ala918Gly (NM_016434.4); c.2825C>G, p.Ala942Gly (NM_032957.5); short protein forms A695G, A918G, A942G.
Identifiers: ClinVar variation 4863587 (VCV004863587.1).